The following is an entry in ClinVar:

ClinVar aggregate classification (germline): Uncertain significance. Review status: criteria provided, multiple submitters, no conflicts (2 of 4 stars). 2 submissions from 2 submitters: Uncertain significance (2). Last evaluated 2026-04-23.

Conditions:
Inborn genetic diseases. Identifiers: MedGen C0950123, MeSH D030342.
Bethlem myopathy 1A. Also called: Bethlem myopathy 1; MYOPATHY, BENIGN CONGENITAL, WITH CONTRACTURES; Bethlem Muscular Dystrophy. Identifiers: Orphanet 610, MedGen CN029274, MONDO:0024530, OMIM 158810.

Allele frequency attached by ClinVar (database versions not stated): gnomAD exomes below 0.00001.
gnomAD v4.1: 3 of 1,608,258 alleles (0.00019%); highest among the groups gnomAD compares: Non-Finnish European, 0.00025%; no homozygotes.

Submissions (2):

Ambry Genetics
Classification: Uncertain significance for Inborn genetic diseases. Last evaluated: 2026-04-23. Review status: criteria provided, single submitter. Criteria: Ambry Variant Classification Scheme 2023. Collection method: clinical testing. Allele origin: germline.

Labcorp Genetics (formerly Invitae), Labcorp
Classification: Uncertain significance for Bethlem myopathy 1A. Last evaluated: 2022-07-18. Review status: criteria provided, single submitter. Criteria: Invitae Variant Classification Sherloc (09022015). Collection method: clinical testing. Allele origin: germline.
Comment: In summary, the available evidence is currently insufficient to determine the role of this variant in disease. Therefore, it has been classified as a Variant of Uncertain Significance. Algorithms developed to predict the effect of missense changes on protein structure and function are either unavailable or do not agree on the potential impact of this missense change (SIFT: "Deleterious"; PolyPhen-2: "Probably Damaging"; Align-GVGD: "Class C0"). This variant has not been reported in the literature in individuals affected with COL6A2-related conditions. This variant is not present in population databases (gnomAD no frequency). This sequence change replaces glycine, which is neutral and non-polar, with serine, which is neutral and polar, at codon 172 of the COL6A2 protein (p.Gly172Ser).

NM_001849.4(COL6A2):c.514G>A (p.Gly172Ser)

Gene: COL6A2 (collagen type VI alpha 2 chain; plus strand). Cytogenetic location: 21q22.3.
Variant type: single nucleotide variant.
Coding change: c.514G>A on transcript NM_001849.4 (MANE Select); coding-DNA position 514, G replaced by A.
Protein change: p.Gly172Ser; replaces glycine 172 with serine.
Molecular consequence: missense variant.
Genome position (GRCh38, 1-based): chr21:46,112,377, G>A. VCF-style: chr21-46112377-G-A. GRCh37 (hg19) VCF-style: chr21-47532291-G-A.
Other names: c.514G>A, p.Gly172Ser (NM_058174.3, NM_058175.3); short protein forms G172S.
Identifiers: ClinVar variation 1967124 (VCV001967124.6), dbSNP rs2516990049, ClinGen allele CA410521892.